The following is an entry in ClinVar:

ClinVar aggregate classification (germline): Pathogenic/Likely pathogenic. Review status: criteria provided, multiple submitters, no conflicts (2 of 4 stars). 3 submissions from 3 submitters: Pathogenic (1); Likely pathogenic (2). Last evaluated 2025-02-01.

Conditions:
Intellectual developmental disorder, autosomal dominant 39. Also called: Mental retardation, autosomal dominant 39; Intellectual disability, autosomal dominant 39. Identifiers: MedGen C4225296, MONDO:0014678, OMIM 616521.

Submissions (3):

CeGaT Center for Human Genetics Tuebingen
Classification: Pathogenic. Last evaluated: 2025-02-01. Review status: criteria provided, single submitter. Criteria: CeGaT Center For Human Genetics Tuebingen Variant Classification Criteria Version 2. Collection method: clinical testing. Allele origin: germline. Affected: yes. Observed: 1 variant allele.
Comment: MYT1L: PS2, PM1, PM2, PP2, PP3

3billion
Classification: Likely pathogenic for Intellectual developmental disorder, autosomal dominant 39. Last evaluated: 2024-11-20. Review status: criteria provided, single submitter. Criteria: ACMG Guidelines, 2015. Collection method: clinical testing. Allele origin: germline. Affected: yes.
Comment: The variant is not observed in the gnomAD v4.1.0 dataset. Predicted Consequence/Location: The variant is located in a mutational hot spot and/or well-established functional domain in which established pathogenic variants have been reported (PMID: 34748075). In silico tool predictions suggest damaging effect of the variant on gene or gene product [REVEL: 0.82 (>=0.6, sensitivity 0.68 and specificity 0.92); 3Cnet: 0.99 (>=0.6, sensitivity 0.72 and precision 0.9)]. The same nucleotide change resulting in the same amino acid change has been previously reported to be associated with MYT1L related disorder (ClinVar ID: VCV002575086). Therefore, this variant is classified as Likely pathogenic according to the recommendation of ACMG/AMP guideline.

HUSP Clinical Genetics Laboratory, Hospital Universitario San Pedro De Logroño (HUSP)
Classification: Likely pathogenic for Intellectual developmental disorder, autosomal dominant 39. Review status: criteria provided, single submitter. Criteria: ACMG Guidelines, 2015. Collection method: clinical testing. Allele origin: de novo. Inheritance: Autosomal dominant inheritance. Affected: yes. Observed: 1 variant allele.
Comment: The c.1532G>A variant in the exon 11 of the MYT1L gene (NM_001303052.2) results in a change of the predicted protein (p.Cys511Tyr). The variant has not been reported previously in the literature and it is not detected in general population. Pathogenic variants in the MYT1L gene have been associated with the following phenotype: Intellectual developmental disorder (OMIM: 616521), with autosomal dominant inheritance.

NM_001303052.2(MYT1L):c.1532G>A (p.Cys511Tyr)

Gene: MYT1L (myelin transcription factor 1 like; minus strand). Cytogenetic location: 2p25.3.
Variant type: single nucleotide variant.
Coding change: c.1532G>A on transcript NM_001303052.2 (MANE Select); coding-DNA position 1532, G replaced by A.
Protein change: p.Cys511Tyr; replaces cysteine 511 with tyrosine.
Molecular consequence: missense variant.
Genome position (GRCh38, 1-based): chr2:1,917,291, C>T on the plus strand (G>A on the coding strand, the complement: MYT1L is on the minus strand). VCF-style: chr2-1917291-C-T. GRCh37 (hg19) VCF-style: chr2-1921063-C-T.
Other names: c.1532G>A, p.Cys511Tyr (NM_001329844.2, NM_001329845.1, NM_001329851.3); c.1526G>A, p.Cys509Tyr (NM_001329846.3, NM_001329847.2, NM_001329848.1 and 3 more transcripts); short protein forms C509Y, C511Y.
Identifiers: ClinVar variation 2575086 (VCV002575086.14), dbSNP rs2550898327, ClinGen allele CA345702056.